The following is an entry in ClinVar:

NM_007294.4(BRCA1):c.2683_2693del (p.Gln895fs)

Gene: BRCA1 (BRCA1 DNA repair associated; minus strand). Cytogenetic location: 17q21.31.
Variant type: Deletion.
Coding change: c.2683_2693del on transcript NM_007294.4 (MANE Select); coding-DNA positions 2683 to 2693, 11 bases deleted (CAAAGTCCAAA).
Protein change: p.Gln895fs; shifts the reading frame from glutamine 895.
Molecular consequence: frameshift variant. On other transcripts: intron variant (137).
Genome position (GRCh38, 1-based): chr17:43,092,838-43,092,848, TTTGGACTTTG deleted on the plus strand (CAAAGTCCAAA on the coding strand, the reverse complement: BRCA1 is on the minus strand); deleting any 11 consecutive bases within chr17:43,092,838-43,092,851 gives the same sequence; the c. name uses the placement nearest the transcript's 3' end. VCF-style (leftmost placement, unchanged base first): chr17-43092837-TTTTGGACTTTG-T. GRCh37 (hg19) VCF-style: chr17-41244854-TTTTGGACTTTG-T.
Other names: 2800delAACAAAGTCCA; c.2680_2690del, p.Gln894fs (NM_001407587.1, NM_001407590.1, NM_001407591.1 and 22 more transcripts); c.2683_2693del, p.Gln895fs (NM_001407593.1, NM_001407594.1, NM_001407596.1 and 30 more transcripts); c.2674_2684del, p.Gln892fs (NM_001407646.1, NM_001407647.1); c.2560_2570del, p.Gln854fs (NM_001407648.1, NM_001407664.1, NM_001407665.1 and 19 more transcripts); c.2557_2567del, p.Gln853fs (NM_001407649.1, NM_001407670.1, NM_001407671.1 and 11 more transcripts); c.2605_2615del, p.Gln869fs (NM_001407653.1, NM_001407654.1, NM_001407655.1 and 4 more transcripts); c.2602_2612del, p.Gln868fs (NM_001407659.1, NM_001407660.1, NM_001407661.1 and 1 more transcripts); and 43 more; short protein forms Q848fs, Q895fs, Q727fs, Q784fs, Q853fs, Q854fs, Q599fs, Q768fs.
Identifiers: ClinVar variation 266292 (VCV000266292.4), dbSNP rs886040061, ClinGen allele CA10589824.

ClinVar aggregate classification (germline): Pathogenic (3 of 4 stars; one submission).

Conditions:
Breast-ovarian cancer, familial, susceptibility to, 1 (BROVCA1). Also called: BRCA1 Hereditary Breast and Ovarian Cancer; OVARIAN CANCER, SUSCEPTIBILITY TO. Identifiers: Orphanet 145, MedGen C2676676, MONDO:0011450, OMIM 604370. Disease mechanism: loss of function.

Submission:

Evidence-based Network for the Interpretation of Germline Mutant Alleles (ENIGMA)
Classification: Pathogenic for Breast-ovarian cancer, familial, susceptibility to, 1. Last evaluated: 2016-10-18. Review status: reviewed by expert panel. Criteria: ENIGMA BRCA1/2 Classification Criteria (2015). Collection method: curation. Allele origin: germline.
Comment: Variant allele predicted to encode a truncated non-functional protein.